The following is an entry in ClinVar:

NM_000243.3(MEFV):c.963C>A (p.Asp321Glu)

Gene: MEFV (MEFV innate immunity regulator, pyrin; minus strand). Cytogenetic location: 16p13.3.
Variant type: single nucleotide variant.
Coding change: c.963C>A on transcript NM_000243.3 (MANE Select); coding-DNA position 963, C replaced by A.
Protein change: p.Asp321Glu; replaces aspartic acid 321 with glutamic acid.
Molecular consequence: missense variant.
Genome position (GRCh38, 1-based): chr16:3,249,728, G>T on the plus strand (C>A on the coding strand, the complement: MEFV is on the minus strand). VCF-style: chr16-3249728-G-T. GRCh37 (hg19) VCF-style: chr16-3299728-G-T.
Other names: c.330C>A, p.Asp110Glu (NM_001198536.2); short protein forms D110E, D321E.
Identifiers: ClinVar variation 650674 (VCV000650674.12), dbSNP rs771969495, ClinGen allele CA276899022.

ClinVar aggregate classification (germline): Uncertain significance. Review status: criteria provided, multiple submitters, no conflicts (2 of 4 stars). 4 submissions from 4 submitters: Uncertain significance (3). 1 of the submissions does not count toward it. Last evaluated 2025-09-05.

Conditions:
Familial Mediterranean fever (FMF). Also called: POLYSEROSITIS, FAMILIAL PAROXYSMAL; POLYSEROSITIS, RECURRENT; Periodic peritonitis; Benign paroxysmal peritonitis. Identifiers: Orphanet 342, MedGen C0031069, MONDO:0018088, OMIM 249100. Disease mechanism: gain of function.
Acute febrile neutrophilic dermatosis (AFND). Also called: Sweet Syndrome; Gomm Button disease. Identifiers: Orphanet 3243, MedGen C0085077, MONDO:0011959, OMIM 608068.
Familial Mediterranean fever, autosomal dominant. Also called: Dominant Familial Mediterranean Fever; FMF, AUTOSOMAL DOMINANT. Identifiers: Orphanet 342, MedGen C1851347, MONDO:0007601, OMIM 134610.

gnomAD v4.1: 14 of 1,614,104 alleles (0.00087%); highest among the groups gnomAD compares: East Asian, 0.0022%; no homozygotes.

Submissions (4):

Women's Health and Genetics/Laboratory Corporation of America, LabCorp
Classification: Uncertain significance. Last evaluated: 2025-09-05. Review status: criteria provided, single submitter. Criteria: LabCorp Variant Classification Summary - May 2015. Collection method: clinical testing. Allele origin: germline.

Fulgent Genetics
Classification: Uncertain significance for Familial Mediterranean fever, autosomal dominant; Familial Mediterranean fever; Acute febrile neutrophilic dermatosis. Last evaluated: 2024-01-06. Review status: criteria provided, single submitter. Criteria: ACMG Guidelines, 2015. Collection method: clinical testing. Allele origin: germline.

Labcorp Genetics (formerly Invitae), Labcorp
Classification: Uncertain significance for Familial Mediterranean fever. Last evaluated: 2021-08-25. Review status: criteria provided, single submitter. Criteria: Invitae Variant Classification Sherloc (09022015). Collection method: clinical testing. Allele origin: germline.
Comment: This sequence change replaces aspartic acid with glutamic acid at codon 321 of the MEFV protein (p.Asp321Glu). The aspartic acid residue is moderately conserved and there is a small physicochemical difference between aspartic acid and glutamic acid. This variant is not present in population databases (ExAC no frequency). This variant has not been reported in the literature in individuals affected with MEFV-related conditions. Algorithms developed to predict the effect of missense changes on protein structure and function output the following: SIFT: "Tolerated"; PolyPhen-2: "Benign"; Align-GVGD: "Class C0". The glutamic acid amino acid residue is found in multiple mammalian species, which suggests that this missense change does not adversely affect protein function. In summary, the available evidence is currently insufficient to determine the role of this variant in disease. Therefore, it has been classified as a Variant of Uncertain Significance.

Natera, Inc.
Classification: Uncertain significance for Familial Mediterranean fever. Last evaluated: 2020-03-02. Review status: no assertion criteria provided. Collection method: clinical testing. Allele origin: germline. Not counted in ClinVar's aggregate classification.